The following is an entry in ClinVar:

ClinVar aggregate classification (germline): Uncertain significance. Review status: criteria provided, multiple submitters, no conflicts (2 of 4 stars). 2 submissions from 2 submitters: Uncertain significance (2). Last evaluated 2025-12-10.

Conditions:
Hereditary cancer-predisposing syndrome. Also called: Neoplastic Syndromes, Hereditary; Hereditary neoplastic syndrome; Tumor predisposition; Hereditary Cancer Syndrome. Identifiers: Orphanet 140162, MedGen C0027672, MeSH D009386, MONDO:0015356.
Gastrointestinal stromal tumor. Also called: Gastrointestinal stromal tumor, somatic; Gastrointestinal stroma tumor. Identifiers: Orphanet 44890, MedGen C0238198, MeSH D046152, MONDO:0011719, OMIM 606764, HP:0100723.

Submissions (2):

Ambry Genetics
Classification: Uncertain significance for Hereditary cancer-predisposing syndrome. Last evaluated: 2025-12-10. Review status: criteria provided, single submitter. Criteria: Ambry Variant Classification Scheme 2023. Collection method: clinical testing. Allele origin: germline.
Comment: The c.1419_1420delCAinsTC variant (also known as p.T474P), located in coding exon 9 of the PDGFRA gene, results from an in-frame deletion of CA and insertion of TC at nucleotide positions 1419 to 1420. This results in the substitution of the threonine residue for a proline residue at codon 474, an amino acid with highly similar properties. This amino acid position is not well conserved in available vertebrate species. In addition, this variant is predicted to be neutral by in silico analysis (Choi Y et al. PLoS ONE. 2012; 7(10):e46688). Based on the available evidence, the clinical significance of this variant remains unclear.

Labcorp Genetics (formerly Invitae), Labcorp
Classification: Uncertain significance for Gastrointestinal stromal tumor. Last evaluated: 2023-11-14. Review status: criteria provided, single submitter. Criteria: Invitae Variant Classification Sherloc (09022015). Collection method: clinical testing. Allele origin: germline.
Comment: This sequence change replaces threonine, which is neutral and polar, with proline, which is neutral and non-polar, at codon 474 of the PDGFRA protein (p.Thr474Pro). Information on the frequency of this variant in the gnomAD database is not available, as this variant may be reported differently in the database. This variant has not been reported in the literature in individuals affected with PDGFRA-related conditions. Experimental studies and prediction algorithms are not available or were not evaluated, and the functional significance of this variant is currently unknown. In summary, the available evidence is currently insufficient to determine the role of this variant in disease. Therefore, it has been classified as a Variant of Uncertain Significance.

NM_006206.6(PDGFRA):c.1419_1420delinsTC (p.Thr474Pro)

Gene: PDGFRA (platelet derived growth factor receptor alpha; plus strand). Cytogenetic location: 4q12.
Variant type: Indel.
Coding change: c.1419_1420delinsTC on transcript NM_006206.6 (MANE Select); coding-DNA positions 1419 to 1420, CA replaced by TC.
Protein change: p.Thr474Pro; replaces threonine 474 with proline.
Molecular consequence: missense variant.
Genome position (GRCh38, 1-based): chr4:54,273,591-54,273,592, CA replaced by TC. VCF-style: chr4-54273591-CA-TC. GRCh37 (hg19) VCF-style: chr4-55139758-CA-TC.
Other names: c.1419_1420delinsTC, p.Thr474Pro (NM_001347827.2, NM_001347829.2); c.1494_1495delinsTC, p.Thr499Pro (NM_001347828.2); c.1458_1459delinsTC, p.Thr487Pro (NM_001347830.2); short protein forms T474P, T487P, T499P.
Identifiers: ClinVar variation 2695706 (VCV002695706.3), dbSNP rs2475487884, ClinGen allele CA2697546714.